The following is an entry in ClinVar:

ClinVar aggregate classification (germline): Likely benign (1 of 4 stars; one submission).

gnomAD v4.1: 7 of 1,209,672 alleles (0.00058%); highest among the groups gnomAD compares: African/African-American, 0.0017%; no homozygotes.

Submission:

CeGaT Center for Human Genetics Tuebingen
Classification: Likely benign. Last evaluated: 2023-01-01. Review status: criteria provided, single submitter. Criteria: CeGaT Center For Human Genetics Tuebingen Variant Classification Criteria Version 2. Collection method: clinical testing. Allele origin: germline. Affected: yes. Observed: 1 variant allele.
Comment: SHROOM2: PM2:Supporting, BP4, BP7

NM_001649.4(SHROOM2):c.3699C>T (p.Ala1233=)

Gene: SHROOM2 (shroom family member 2; plus strand). Cytogenetic location: Xp22.2.
Variant type: single nucleotide variant.
Coding change: c.3699C>T on transcript NM_001649.4 (MANE Select); coding-DNA position 3699, C replaced by T.
Protein change: p.Ala1233=; no amino-acid change (alanine 1233 retained).
Molecular consequence: synonymous variant.
Genome position (GRCh38, 1-based): chrX:9,937,245, C>T. VCF-style: chrX-9937245-C-T. GRCh37 (hg19) VCF-style: chrX-9905285-C-T.
Other names: c.204C>T, p.Ala68= (NM_001320663.2, NM_001320664.2).
Identifiers: ClinVar variation 2659958 (VCV002659958.24), dbSNP rs766720087, ClinGen allele CA515223421.
Genomic context (GRCh38, chrX:9,937,245, plus strand): 5'-GATCGTGCACTCGGAGAGCCAGCCAGAGAAGGAGAGCCGCCAGAGCCTGGCATGCCCCGC[C>T]GAGCCACCTGCCCTGCCCCACGGGCTGGAGAAAGACCAGATCAAGACGCTGAGCACATCT-3'
Protein context (NP_001640.1, residues 1223-1243): KESRQSLACP[Ala1233=]EPPALPHGLE